The following is an entry in ClinVar:

NM_058195.4(CDKN2A):c.193+10del

Gene: CDKN2A (cyclin dependent kinase inhibitor 2A; minus strand). Cytogenetic location: 9p21.3.
Variant type: Deletion.
Coding change: c.193+10del on transcript NM_058195.4 (MANE Plus Clinical); 10 bases into the intron after coding-DNA position 193, one base deleted (G; older notation c.193+10delG).
Molecular consequence: intron variant.
Genome position (GRCh38, 1-based): chr9:21,994,129, C deleted on the plus strand (G on the coding strand, the reverse complement: CDKN2A is on the minus strand); the first of 2 consecutive C bases (chr9:21,994,129-21,994,130); deleting either gives the same sequence. VCF-style (leftmost placement, unchanged base first): chr9-21994128-GC-G. GRCh37 (hg19) VCF-style: chr9-21994127-GC-G.
Other names: c.-4+692del (NM_001363763.2).
Identifiers: ClinVar variation 1147579 (VCV001147579.7), dbSNP rs2131147894, ClinGen allele CA2499219816.
Genomic context (GRCh38, chr9:21,994,128, plus strand): 5'-TCTGTTTACGAAATCACACCAAACAAAACAAGTGCCGAATGCGCCCCGGACTTTTCGAGG[GC>G]CTTTCCTACCTGGTCTTCTAGGAAGCGGCTGCTGCCCTAGACGCTGGCTCCTCAGTAGCA-3'

ClinVar aggregate classification (germline): Likely benign. Review status: criteria provided, multiple submitters, no conflicts (2 of 4 stars). 2 submissions from 2 submitters: Likely benign (2). Last evaluated 2025-08-12.

Conditions:
Familial melanoma. Also called: Hereditary melanoma; Hereditary cutaneous melanoma. Identifiers: Orphanet 618, MedGen C1512419, MONDO:0018961.
Melanoma-pancreatic cancer syndrome. Identifiers: Orphanet 404560, MedGen C1838547, MONDO:0011713, OMIM 606719. Disease mechanism: loss of function.

Submissions (2):

Myriad Genetics, Inc.
Classification: Likely benign for Melanoma-pancreatic cancer syndrome. Last evaluated: 2025-08-12. Review status: criteria provided, single submitter. Criteria: Myriad Autosomal Dominant, Autosomal Recessive and X-Linked Classification Criteria (2023). Collection method: clinical testing. Allele origin: unknown.
Comment: This variant is considered likely benign. This variant is intronic and is not expected to impact mRNA splicing.

Labcorp Genetics (formerly Invitae), Labcorp
Classification: Likely benign for Familial melanoma. Last evaluated: 2021-11-12. Review status: criteria provided, single submitter. Criteria: Invitae Variant Classification Sherloc (09022015). Collection method: clinical testing. Allele origin: germline.